The following is an entry in ClinVar:

NM_001457.4(FLNB):c.1486G>T (p.Gly496Cys)

Gene: FLNB (filamin B; plus strand). Cytogenetic location: 3p14.3.
Variant type: single nucleotide variant.
Coding change: c.1486G>T on transcript NM_001457.4 (MANE Select); coding-DNA position 1486, G replaced by T.
Protein change: p.Gly496Cys; replaces glycine 496 with cysteine.
Molecular consequence: missense variant.
Genome position (GRCh38, 1-based): chr3:58,103,961, G>T. VCF-style: chr3-58103961-G-T. GRCh37 (hg19) VCF-style: chr3-58089688-G-T.
Other names: c.1486G>T, p.Gly496Cys (NM_001164317.2, NM_001164318.2, NM_001164319.2); short protein forms G496C.
Identifiers: ClinVar variation 1319293 (VCV001319293.12), dbSNP rs747825411, ClinGen allele CA2467835.

ClinVar aggregate classification (germline): Uncertain significance. Review status: criteria provided, multiple submitters, no conflicts (2 of 4 stars). 4 submissions from 4 submitters: Uncertain significance (3). 1 of the submissions does not count toward it. Last evaluated 2026-01-27.

Conditions:
Connective tissue disorder. Also called: Connective tissue disease. Identifiers: MedGen C0009782, MONDO:0003900.
FLNB-related disorder. Also called: FLNB-related condition; FLNB-related disorders. Identifiers: MedGen CN381095.

Allele frequency attached by ClinVar (database versions not stated): ExAC 0.00001; gnomAD 0.00001.
gnomAD v4.1: 32 of 1,613,940 alleles (0.002%); highest among the groups gnomAD compares: Non-Finnish European, 0.0026%; no homozygotes.

Submissions (4):

Labcorp Genetics (formerly Invitae), Labcorp
Classification: Uncertain significance. Last evaluated: 2026-01-27. Review status: criteria provided, single submitter. Criteria: Invitae Variant Classification Sherloc (09022015). Collection method: clinical testing. Allele origin: germline.
Comment: This sequence change replaces glycine, which is neutral and non-polar, with cysteine, which is neutral and slightly polar, at codon 496 of the FLNB protein (p.Gly496Cys). This variant is present in population databases (rs747825411, gnomAD 0.005%). This variant has not been reported in the literature in individuals affected with FLNB-related conditions. ClinVar contains an entry for this variant (Variation ID: 1319293). An algorithm developed to predict the effect of missense changes on protein structure and function (PolyPhen-2) suggests that this variant is likely to be disruptive. In summary, the available evidence is currently insufficient to determine the role of this variant in disease. Therefore, it has been classified as a Variant of Uncertain Significance.

Institute for Clinical Genetics, University Hospital TU Dresden, University Hospital TU Dresden
Classification: Uncertain significance. Last evaluated: 2021-11-03. Review status: criteria provided, single submitter. Criteria: ACMG Guidelines, 2015. Collection method: clinical testing. Allele origin: germline.

Genome Diagnostics Laboratory, The Hospital for Sick Children
Classification: Uncertain significance for Connective tissue disorder. Last evaluated: 2018-11-01. Review status: criteria provided, single submitter. Criteria: ACMG Guidelines, 2015. Collection method: clinical testing. Allele origin: germline.

PreventionGenetics, part of Exact Sciences
Classification: Uncertain significance for FLNB-related condition. Last evaluated: 2024-03-21. Review status: no assertion criteria provided. Collection method: clinical testing. Allele origin: germline. Not counted in ClinVar's aggregate classification.
Comment: The FLNB c.1486G>T variant is predicted to result in the amino acid substitution p.Gly496Cys. To our knowledge, this variant has not been reported in the literature. This variant is reported in 0.0053% of alleles in individuals of European (Non-Finnish) descent in gnomAD. At this time, the clinical significance of this variant is uncertain due to the absence of conclusive functional and genetic evidence.